The following is an entry in ClinVar:

ClinVar aggregate classification (germline): Uncertain significance (1 of 4 stars; one submission).

Conditions:
Hereditary cancer-predisposing syndrome. Also called: Hereditary Cancer Syndrome; Neoplastic Syndromes, Hereditary; Tumor predisposition; Hereditary neoplastic syndrome. Identifiers: Orphanet 140162, MedGen C0027672, MeSH D009386, MONDO:0015356.

Submission:

Ambry Genetics
Classification: Uncertain significance for Hereditary cancer-predisposing syndrome. Last evaluated: 2026-07-06. Review status: criteria provided, single submitter. Criteria: Ambry Variant Classification Scheme 2023. Collection method: clinical testing. Allele origin: germline.
Comment: The p.Q1918L variant (also known as c.5753A>T), located in coding exon 26 of the DICER1 gene, results from an A to T substitution at nucleotide position 5753. The glutamine at codon 1918 is replaced by leucine, an amino acid with dissimilar properties. This amino acid position is conserved. In addition, the in silico prediction for this alteration is inconclusive. Based on the available evidence, the clinical significance of this variant remains unclear.

NM_177438.3(DICER1):c.5753A>T (p.Gln1918Leu)

Gene: DICER1 (dicer 1, ribonuclease III; minus strand). Cytogenetic location: 14q32.13.
Variant type: single nucleotide variant.
Coding change: c.5753A>T on transcript NM_177438.3 (MANE Select); coding-DNA position 5753, A replaced by T.
Protein change: p.Gln1918Leu; replaces glutamine 1918 with leucine.
Molecular consequence: missense variant. On other transcripts: 3 prime UTR variant (1), non-coding transcript variant (6).
Genome position (GRCh38, 1-based): chr14:95,090,514, T>A on the plus strand (A>T on the coding strand, the complement: DICER1 is on the minus strand). VCF-style: chr14-95090514-T-A. GRCh37 (hg19) VCF-style: chr14-95556851-T-A.
Other names: c.*100A>T (NM_001195573.1); c.5753A>T, p.Gln1918Leu (NM_001271282.3, NM_001291628.2, NM_001395677.1 and 7 more transcripts); c.5471A>T, p.Gln1824Leu (NM_001395686.1); c.5348A>T, p.Gln1783Leu (NM_001395687.1, NM_001395688.1, NM_001395689.1 and 1 more transcripts); c.5186A>T, p.Gln1729Leu (NM_001395691.1); c.4070A>T, p.Gln1357Leu (NM_001395697.1); short protein forms Q1824L, Q1918L, Q1729L, Q1357L, Q1783L.
Identifiers: ClinVar variation 5035246 (VCV005035246.1).
Genomic context (GRCh38, chr14:95,090,514, plus strand): 5'-ATTTTTTTTGTTTTGTTTCTTGTTTTGAATTTTAAAAAGCGGTTTCAGCTATTGGGAACC[T>A]GAGGTTGATTAGCTTTGAGGCTTCGGAGGGCTCTTCTTGCTGCTGCAGATTTGGCAATCC-3'
Protein context (NP_803187.1, residues 1908-1922): ALRSLKANQP[Gln1918Leu]VPNS